The following is an entry in ClinVar:

NM_005334.3(HCFC1):c.1712C>T (p.Pro571Leu)

Gene: HCFC1 (host cell factor C1; minus strand). Cytogenetic location: Xq28.
Variant type: single nucleotide variant.
Coding change: c.1712C>T on transcript NM_005334.3 (MANE Select); coding-DNA position 1712, C replaced by T.
Protein change: p.Pro571Leu; replaces proline 571 with leucine.
Molecular consequence: missense variant. On other transcripts: intron variant (2).
Genome position (GRCh38, 1-based): chrX:153,958,660, G>A on the plus strand (C>T on the coding strand, the complement: HCFC1 is on the minus strand). VCF-style: chrX-153958660-G-A. GRCh37 (hg19) VCF-style: chrX-153224111-G-A.
Other names: c.1712C>T, p.Pro571Leu (NM_001440844.1, NM_001440845.1, NM_001440846.1 and 5 more transcripts); c.1606-411C>T (NM_001440851.1, NM_001440850.1); short protein forms P571L.
Identifiers: ClinVar variation 4540342 (VCV004540342.1).

ClinVar aggregate classification (germline): Uncertain significance (1 of 4 stars; one submission).

Submission:

GeneDx
Classification: Uncertain significance. Last evaluated: 2025-06-23. Review status: criteria provided, single submitter. Criteria: GeneDx Variant Classification Process June 2021. Collection method: clinical testing. Allele origin: germline. Affected: yes.
Comment: Not observed at significant frequency in large population cohorts (gnomAD); In silico analysis supports that this missense variant has a deleterious effect on protein structure/function; Has not been previously published as pathogenic or benign to our knowledge